The following is an entry in ClinVar:

ClinVar aggregate classification (germline): Uncertain significance. Review status: criteria provided, multiple submitters, no conflicts (2 of 4 stars). 2 submissions from 2 submitters: Uncertain significance (2). Last evaluated 2025-11-23.

Conditions:
Intellectual developmental disorder, X-linked 1. Also called: Atkin Flaitz Patil Smith syndrome; MENTAL RETARDATION, X-LINKED 18; MENTAL RETARDATION, X-LINKED 78; Intellectual disability, X-linked 1. Identifiers: Orphanet 777, MedGen C2931498, MONDO:0010656, OMIM 309530.
Inborn genetic diseases. Identifiers: MedGen C0950123, MeSH D030342.

Allele frequency attached by ClinVar (database versions not stated): gnomAD exomes below 0.00001.

Submissions (2):

Labcorp Genetics (formerly Invitae), Labcorp
Classification: Uncertain significance for Intellectual developmental disorder, X-linked 1. Last evaluated: 2025-11-23. Review status: criteria provided, single submitter. Criteria: Invitae Variant Classification Sherloc (09022015). Collection method: clinical testing. Allele origin: germline.
Comment: This sequence change replaces arginine, which is basic and polar, with glutamine, which is neutral and polar, at codon 585 of the IQSEC2 protein (p.Arg585Gln). This variant is not present in population databases (gnomAD no frequency). This variant has not been reported in the literature in individuals affected with IQSEC2-related conditions. ClinVar contains an entry for this variant (Variation ID: 836419). Invitae Evidence Modeling of protein sequence and biophysical properties (such as structural, functional, and spatial information, amino acid conservation, physicochemical variation, residue mobility, and thermodynamic stability) indicates that this missense variant is not expected to disrupt IQSEC2 protein function with a negative predictive value of 95%. In summary, the available evidence is currently insufficient to determine the role of this variant in disease. Therefore, it has been classified as a Variant of Uncertain Significance.

Ambry Genetics
Classification: Uncertain significance for Inborn genetic diseases. Last evaluated: 2020-01-22. Review status: criteria provided, single submitter. Criteria: Ambry Variant Classification Scheme 2023. Collection method: clinical testing. Allele origin: germline.
Comment: The p.R585Q variant (also known as c.1754G>A), located in coding exon 5 of the IQSEC2 gene, results from a G to A substitution at nucleotide position 1754. The arginine at codon 585 is replaced by glutamine, an amino acid with highly similar properties. This amino acid position is highly conserved in available vertebrate species. In addition, the in silico prediction for this alteration is inconclusive. Since supporting evidence is limited at this time, the clinical significance of this alteration remains unclear.

NM_001111125.3(IQSEC2):c.1754G>A (p.Arg585Gln)

Gene: IQSEC2 (IQ motif and Sec7 domain ArfGEF 2; minus strand). Cytogenetic location: Xp11.22.
Variant type: single nucleotide variant.
Coding change: c.1754G>A on transcript NM_001111125.3 (MANE Select); coding-DNA position 1754, G replaced by A.
Protein change: p.Arg585Gln; replaces arginine 585 with glutamine.
Molecular consequence: missense variant.
Genome position (GRCh38, 1-based): chrX:53,250,822, C>T on the plus strand (G>A on the coding strand, the complement: IQSEC2 is on the minus strand). VCF-style: chrX-53250822-C-T. GRCh37 (hg19) VCF-style: chrX-53280004-C-T.
Other names: c.1139G>A, p.Arg380Gln (NM_015075.2); short protein forms R380Q, R585Q.
Identifiers: ClinVar variation 836419 (VCV000836419.12), dbSNP rs2074375518, ClinGen allele CA413163929.